The following is an entry in ClinVar:

NM_000136.3(FANCC):c.*1288T>C

Genes: AOPEP (aminopeptidase O (putative); plus strand), FANCC (FA complementation group C; minus strand). Cytogenetic location: 9q22.32.
Variant type: single nucleotide variant.
Coding change: c.*1288T>C on transcript NM_000136.3 (MANE Select); 1288 bases downstream of the stop codon, T replaced by C.
Molecular consequence: 3 prime UTR variant.
Genome position (GRCh38, 1-based): chr9:95,100,419, A>G on the plus strand (T>C on the coding strand, the complement: FANCC is on the minus strand). VCF-style: chr9-95100419-A-G. GRCh37 (hg19) VCF-style: chr9-97862701-A-G.
Other names: c.*1288T>C (NM_001243743.2).
Identifiers: ClinVar variation 367589 (VCV000367589.6), dbSNP rs4647554, ClinGen allele CA10630600.

ClinVar aggregate classification (germline): Benign. Review status: criteria provided, multiple submitters, no conflicts (2 of 4 stars). 2 submissions from 2 submitters: Benign (2). Last evaluated 2018-01-13.

Conditions:
Fanconi anemia complementation group C (FANCC). Also called: FANCONI PANCYTOPENIA, TYPE 3; FACC; Fanconi anemia, group C; FANCC-Related Fanconi Anemia. Identifiers: Orphanet 84, MedGen C3468041, MONDO:0009213, OMIM 227645.

Allele frequency attached by ClinVar (database versions not stated): gnomAD exomes 0.43332; gnomAD 0.45294 and 0.45378; TOPMed 0.45894; 1000 Genomes Project 0.50280; 1000 Genomes Project 30x 0.50297.
gnomAD v4.1: 102,963 of 230,744 alleles (45%); highest among the groups gnomAD compares: East Asian, 57%; 23,509 homozygotes.

Submissions (2):

Illumina Laboratory Services, Illumina
Classification: Benign for Fanconi anemia complementation group C. Last evaluated: 2018-01-13. Review status: criteria provided, single submitter. Criteria: ICSL Variant Classification Criteria 13 December 2019. Collection method: clinical testing. Allele origin: germline.
Comment: This variant was observed in the ICSL laboratory as part of a predisposition screen in an ostensibly healthy population. It had not been previously curated by ICSL or reported in the Human Gene Mutation Database (HGMD: prior to June 1st, 2018), and was therefore a candidate for classification through an automated scoring system. Utilizing variant allele frequency, disease prevalence and penetrance estimates, and inheritance mode, an automated score was calculated to assess if this variant is too frequent to cause the disease. Based on the score and internal cut-off values, a variant classified as benign is not then subjected to further curation. The score for this variant resulted in a classification of benign for this disease.

Breakthrough Genomics
Classification: Benign. Review status: criteria provided, single submitter. Criteria: ACMG Guidelines, 2015. Collection method: not provided. Allele origin: germline. Inheritance: Autosomal recessive inheritance. Affected: yes.